The following is an entry in ClinVar:

ClinVar aggregate classification (germline): Uncertain significance (0 of 4 stars; one submission).

Conditions:
TCAP-related disorder. Also called: TCAP-related condition.

Submission:

PreventionGenetics, part of Exact Sciences
Classification: Uncertain significance for TCAP-related condition. Last evaluated: 2024-09-12. Review status: no assertion criteria provided. Collection method: clinical testing. Allele origin: germline.
Comment: The TCAP c.504A>G variant is predicted to result in extension of the open reading frame (p.*168Trpext*4). To our knowledge, this variant has not been reported in the literature or in a large population database, indicating this variant is rare. A small neighboring deletion (c.496_499del) resulting in a longer protein extension (p.Arg166Alafs*21) was previously reported in an individual who presented with muscular dystrophy, although no second likely causative variant was identified (Seong et al. 2016. PubMed ID: 26060040). Although we suspect that the c.504A>G (p.*168Trpext*4) variant may be pathogenic, at this time, the clinical significance of this variant is uncertain due to the absence of conclusive functional and genetic evidence.

NM_003673.4(TCAP):c.504A>G (p.Ter168Trp)

Gene: TCAP (titin-cap; plus strand). Cytogenetic location: 17q12.
Variant type: single nucleotide variant.
Coding change: c.504A>G on transcript NM_003673.4 (MANE Select); coding-DNA position 504, A replaced by G.
Protein change: p.Ter168Trp.
Molecular consequence: stop lost.
Genome position (GRCh38, 1-based): chr17:39,666,109, A>G. VCF-style: chr17-39666109-A-G. GRCh37 (hg19) VCF-style: chr17-37822362-A-G.
Identifiers: ClinVar variation 3356495 (VCV003356495.1).